The following is an entry in ClinVar:

NM_004360.5(CDH1):c.2185C>T (p.Leu729=)

Gene: CDH1 (cadherin 1; plus strand). Cytogenetic location: 16q22.1.
Variant type: single nucleotide variant.
Coding change: c.2185C>T on transcript NM_004360.5 (MANE Select); coding-DNA position 2185, C replaced by T.
Protein change: p.Leu729=; no amino-acid change (leucine 729 retained).
Molecular consequence: synonymous variant.
Genome position (GRCh38, 1-based): chr16:68,828,194, C>T. VCF-style: chr16-68828194-C-T. GRCh37 (hg19) VCF-style: chr16-68862097-C-T.
Other names: c.2002C>T, p.Leu668= (NM_001317184.2); c.637C>T, p.Leu213= (NM_001317185.2); c.220C>T, p.Leu74= (NM_001317186.2).
Identifiers: ClinVar variation 1787324 (VCV001787324.7), dbSNP rs2152141393, ClinGen allele CA496157128.
Genomic context (GRCh38, chr16:68,828,194, plus strand): 5'-TTGGCTCTCAACACTTGCTCTGTCTCCCCCACCATCCCAGTTCTGATTCTGCTGCTCTTG[C>T]TGTTTCTTCGGAGGAGAGCGGTGGTCAAAGAGCCCTTACTGCCCCCAGAGGATGACACCC-3'
Protein context (NP_004351.1, residues 719-739): ALLILILLLL[Leu729=]FLRRRAVVKE

ClinVar aggregate classification (germline): Conflicting classifications of pathogenicity. Review status: criteria provided, conflicting classifications (1 of 4 stars). 2 submissions from 2 submitters: Uncertain significance (1); Likely benign (1). Last evaluated 2022-09-24.

Conditions:
Hereditary cancer-predisposing syndrome. Also called: Tumor predisposition; Neoplastic Syndromes, Hereditary; Hereditary Cancer Syndrome; Hereditary neoplastic syndrome. Identifiers: Orphanet 140162, MedGen C0027672, MeSH D009386, MONDO:0015356.
Hereditary diffuse gastric adenocarcinoma (HDGC). Also called: DIFFUSE GASTRIC AND LOBULAR BREAST CANCER SYNDROME. Identifiers: Orphanet 26106, MedGen C1708349, MONDO:0007648, OMIM 137215.

Submissions (2):

Labcorp Genetics (formerly Invitae), Labcorp
Classification: Uncertain significance for Hereditary diffuse gastric adenocarcinoma. Last evaluated: 2022-09-24. Review status: criteria provided, single submitter. Criteria: Invitae Variant Classification Sherloc (09022015). Collection method: clinical testing. Allele origin: germline.
Comment: This sequence change affects codon 729 of the CDH1 mRNA. It is a 'silent' change, meaning that it does not change the encoded amino acid sequence of the CDH1 protein. This variant is not present in population databases (gnomAD no frequency). This variant has not been reported in the literature in individuals affected with CDH1-related conditions. Algorithms developed to predict the effect of sequence changes on RNA splicing suggest that this variant may create or strengthen a splice site. In summary, the available evidence is currently insufficient to determine the role of this variant in disease. Therefore, it has been classified as a Variant of Uncertain Significance.

Ambry Genetics
Classification: Likely benign for Hereditary cancer-predisposing syndrome. Last evaluated: 2021-10-04. Review status: criteria provided, single submitter. Criteria: Ambry Variant Classification Scheme 2023. Collection method: clinical testing. Allele origin: germline.